The following is an entry in ClinVar:

ClinVar aggregate classification (germline): Likely benign. Review status: criteria provided, multiple submitters, no conflicts (2 of 4 stars). 4 submissions from 4 submitters: Likely benign (4). Last evaluated 2026-01-25.

Allele frequency attached by ClinVar (database versions not stated): 1000 Genomes Project 0.00040; 1000 Genomes Project 30x 0.00047; ESP Exome Variant Server 0.00085; gnomAD 0.00089 and 0.00091; TOPMed 0.00096; ExAC 0.00106.
gnomAD v4.1: 1,491 of 1,613,704 alleles (0.092%); highest among the groups gnomAD compares: Middle Eastern, 0.12%; 3 homozygotes.

Submissions (4):

Labcorp Genetics (formerly Invitae), Labcorp
Classification: Likely benign. Last evaluated: 2026-01-25. Review status: criteria provided, single submitter. Criteria: Invitae Variant Classification Sherloc (09022015). Collection method: clinical testing. Allele origin: germline.

CeGaT Center for Human Genetics Tuebingen
Classification: Likely benign. Last evaluated: 2025-01-01. Review status: criteria provided, single submitter. Criteria: CeGaT Center For Human Genetics Tuebingen Variant Classification Criteria Version 2. Collection method: clinical testing. Allele origin: germline. Affected: yes. Observed: 2 variant alleles.
Comment: IRF4: BP4, BP7, BS1

Blueprint Genetics
Classification: Likely benign. Last evaluated: 2024-11-15. Review status: criteria provided, single submitter. Criteria: ACMG Guidelines, 2015. Collection method: clinical testing. Allele origin: germline.

Breakthrough Genomics
Classification: Likely benign. Review status: criteria provided, single submitter. Criteria: ACMG Guidelines, 2015. Collection method: not provided. Allele origin: germline. Inheritance: Unknown mechanism. Affected: yes.

NM_002460.4(IRF4):c.786C>T (p.Leu262=)

Gene: IRF4 (interferon regulatory factor 4; plus strand). Cytogenetic location: 6p25.3.
Variant type: single nucleotide variant.
Coding change: c.786C>T on transcript NM_002460.4 (MANE Select); coding-DNA position 786, C replaced by T.
Protein change: p.Leu262=; no amino-acid change (leucine 262 retained).
Molecular consequence: synonymous variant. On other transcripts: non-coding transcript variant (1).
Genome position (GRCh38, 1-based): chr6:401,464, C>T. VCF-style: chr6-401464-C-T. GRCh37 (hg19) VCF-style: chr6-401464-C-T.
Other names: c.783C>T, p.Leu261= (NM_001195286.2).
Identifiers: ClinVar variation 715875 (VCV000715875.26), dbSNP rs41301855, ClinGen allele CA3612819.